The following is an entry in ClinVar:

NM_004130.4(GYG1):c.115G>A (p.Ala39Thr)

Gene: GYG1 (glycogenin 1; plus strand). Cytogenetic location: 3q24.
Variant type: single nucleotide variant.
Coding change: c.115G>A on transcript NM_004130.4 (MANE Select); coding-DNA position 115, G replaced by A.
Protein change: p.Ala39Thr; replaces alanine 39 with threonine.
Molecular consequence: missense variant.
Genome position (GRCh38, 1-based): chr3:148,994,249, G>A. VCF-style: chr3-148994249-G-A. GRCh37 (hg19) VCF-style: chr3-148712036-G-A.
Other names: c.115G>A, p.Ala39Thr (NM_001184720.2, NM_001184721.2); c.115G>A (NM_004130.3); short protein forms A39T.
Identifiers: ClinVar variation 2050904 (VCV002050904.4), dbSNP rs200530870, ClinGen allele CA2658459.

ClinVar aggregate classification (germline): Uncertain significance. Review status: criteria provided, multiple submitters, no conflicts (2 of 4 stars). 2 submissions from 2 submitters: Uncertain significance (2). Last evaluated 2024-10-25.

Conditions:
Glycogen storage disease XV (GSD15). Also called: GLYCOGENIN DEFICIENCY; GSD XV. Identifiers: Orphanet 263297, MedGen C3150754, MONDO:0013291, OMIM 613507.
Polyglucosan body myopathy type 2. Identifiers: Orphanet 456369, MedGen C4015452, MONDO:0014526, OMIM 616199.
Inborn genetic diseases. Identifiers: MedGen C0950123, MeSH D030342.

Allele frequency attached by ClinVar (database versions not stated): ExAC 0.00006.
gnomAD v4.1: 62 of 1,613,884 alleles (0.0038%); highest among the groups gnomAD compares: Admixed American, 0.0083%; no homozygotes.

Submissions (2):

Labcorp Genetics (formerly Invitae), Labcorp
Classification: Uncertain significance for Polyglucosan body myopathy type 2; Glycogen storage disease XV. Last evaluated: 2024-10-25. Review status: criteria provided, single submitter. Criteria: Invitae Variant Classification Sherloc (09022015). Collection method: clinical testing. Allele origin: germline.
Comment: This sequence change replaces alanine, which is neutral and non-polar, with threonine, which is neutral and polar, at codon 39 of the GYG1 protein (p.Ala39Thr). This variant is present in population databases (rs200530870, gnomAD 0.01%). This variant has not been reported in the literature in individuals affected with GYG1-related conditions. ClinVar contains an entry for this variant (Variation ID: 2050904). Invitae Evidence Modeling of protein sequence and biophysical properties (such as structural, functional, and spatial information, amino acid conservation, physicochemical variation, residue mobility, and thermodynamic stability) indicates that this missense variant is not expected to disrupt GYG1 protein function with a negative predictive value of 80%. In summary, the available evidence is currently insufficient to determine the role of this variant in disease. Therefore, it has been classified as a Variant of Uncertain Significance.

Ambry Genetics
Classification: Uncertain significance for Inborn genetic diseases. Last evaluated: 2023-08-10. Review status: criteria provided, single submitter. Criteria: Ambry Variant Classification Scheme 2023. Collection method: clinical testing. Allele origin: germline.